The following is an entry in ClinVar:

ClinVar aggregate classification (germline): Pathogenic. Review status: criteria provided, multiple submitters, no conflicts (2 of 4 stars). 2 submissions from 2 submitters: Pathogenic (2). Last evaluated 2026-03-02.

Conditions:
Pheochromocytoma. Also called: MAX-Related Hereditary Paraganglioma-Pheochromocytoma Syndrome. Identifiers: Orphanet 29072, MedGen C0031511, MONDO:0008233, OMIM 171300, HP:0002666.
Gastrointestinal stromal tumor. Also called: Gastrointestinal stroma tumor; Gastrointestinal stromal tumor, somatic. Identifiers: Orphanet 44890, MedGen C0238198, MeSH D046152, MONDO:0011719, OMIM 606764, HP:0100723.
Pheochromocytoma/paraganglioma syndrome 4. Also called: CAROTID BODY TUMORS AND MULTIPLE EXTRAADRENAL PHEOCHROMOCYTOMAS; PARAGANGLIOMA, FAMILIAL MALIGNANT; PARAGANGLIOMAS, HEREDITARY EXTRAADRENAL; PHEOCHROMOCYTOMA, FAMILIAL EXTRAADRENAL; Paragangliomas 4; SDHB-Related Hereditary Paraganglioma-Pheochromocytoma Syndrome (Paragangliomas 4). Identifiers: Orphanet 29072, MedGen C1861848, MONDO:0007273, OMIM 115310.
Hereditary cancer-predisposing syndrome. Also called: Hereditary Cancer Syndrome; Hereditary neoplastic syndrome; Neoplastic Syndromes, Hereditary; Tumor predisposition. Identifiers: Orphanet 140162, MedGen C0027672, MeSH D009386, MONDO:0015356.

Submissions (2):

Ambry Genetics
Classification: Pathogenic for Hereditary cancer-predisposing syndrome. Last evaluated: 2026-03-02. Review status: criteria provided, single submitter. Criteria: Ambry Variant Classification Scheme 2023. Collection method: clinical testing. Allele origin: germline.
Comment: The p.Y241* pathogenic mutation (also known as c.723C>A), located in coding exon 7 of the SDHB gene, results from a C to A substitution at nucleotide position 723. This changes the amino acid from a tyrosine to a stop codon within coding exon 7. This variant occurs at the 3' terminus of the gene, is not expected to trigger nonsense-mediated mRNA decay, and impacts the last 14% of the protein. However, premature stop codons are typically deleterious in nature, the impacted region is critical for protein function, and a significant portion of the protein is affected (Ambry internal data). This variant was reported in individual(s) with features consistent with SDHB-related hereditary pheochromocytoma-paraganglioma (Ben Aim L et al. J Med Genet, 2019 Aug;56:513-520). This variant is considered to be rare based on population cohorts in the Genome Aggregation Database (gnomAD). Based on the supporting evidence, this variant is interpreted as a disease-causing mutation.

Labcorp Genetics (formerly Invitae), Labcorp
Classification: Pathogenic for Gastrointestinal stromal tumor; Pheochromocytoma/paraganglioma syndrome 4; Pheochromocytoma. Last evaluated: 2025-12-23. Review status: criteria provided, single submitter. Criteria: Invitae Variant Classification Sherloc (09022015). Collection method: clinical testing. Allele origin: germline.
Comment: This sequence change creates a premature translational stop signal (p.Tyr241*) in the SDHB gene. While this is not anticipated to result in nonsense mediated decay, it is expected to disrupt the last 40 amino acid(s) of the SDHB protein. This variant is not present in population databases (gnomAD no frequency). This premature translational stop signal has been observed in individual(s) with paraganglioma (PMID: 30877234). This variant disrupts a region of the SDHB protein in which other variant(s) (p.Ile263Serfs*13) have been determined to be pathogenic (internal data). This suggests that this is a clinically significant region of the protein, and that variants that disrupt it are likely to be disease-causing. For these reasons, this variant has been classified as Pathogenic.

Literature cited by the submitters: PubMed 30877234 (cited by Ambry Genetics and Labcorp Genetics (formerly Invitae), Labcorp).

NM_003000.3(SDHB):c.723C>A (p.Tyr241Ter)

Gene: SDHB (succinate dehydrogenase complex iron sulfur subunit B; minus strand). Cytogenetic location: 1p36.13.
Variant type: single nucleotide variant.
Coding change: c.723C>A on transcript NM_003000.3 (MANE Select); coding-DNA position 723, C replaced by A.
Protein change: p.Tyr241Ter; replaces tyrosine 241 with a stop codon.
Molecular consequence: nonsense.
Genome position (GRCh38, 1-based): chr1:17,022,650, G>T on the plus strand (C>A on the coding strand, the complement: SDHB is on the minus strand). VCF-style: chr1-17022650-G-T. GRCh37 (hg19) VCF-style: chr1-17349145-G-T.
Other names: c.669C>A, p.Tyr223Ter (NM_001407361.1); short protein forms Y223*, Y241*.
Identifiers: ClinVar variation 4788956 (VCV004788956.2).